The following is an entry in ClinVar:

NM_000392.5(ABCC2):c.3892G>C (p.Gly1298Arg)

Gene: ABCC2 (ATP binding cassette subfamily C member 2; plus strand). Cytogenetic location: 10q24.2.
Variant type: single nucleotide variant.
Coding change: c.3892G>C on transcript NM_000392.5 (MANE Select); coding-DNA position 3892, G replaced by C.
Protein change: p.Gly1298Arg; replaces glycine 1298 with arginine.
Molecular consequence: missense variant.
Genome position (GRCh38, 1-based): chr10:99,844,370, G>C. VCF-style: chr10-99844370-G-C. GRCh37 (hg19) VCF-style: chr10-101604127-G-C.
Other names: short protein forms G1298R.
Identifiers: ClinVar variation 4998399 (VCV004998399.1).

ClinVar aggregate classification (germline): Uncertain significance (1 of 4 stars; one submission).

Conditions:
ABCC2-related disorder. Also called: ABCC2-related condition.

Submission:

PreventionGenetics, part of Exact Sciences
Classification: Uncertain significance for ABCC2-related condition. Last evaluated: 2025-01-16. Review status: criteria provided, single submitter. Criteria: ACMG Guidelines, 2015. Collection method: clinical testing. Allele origin: germline.
Comment: The ABCC2 c.3892G>C variant is predicted to result in the amino acid substitution p.Gly1298Arg. To our knowledge, this variant has not been reported in the literature or in a large population database (gnomAD), indicating this variant is rare. At this time, the clinical significance of this variant is uncertain due to the absence of conclusive functional and genetic evidence.